The following is an entry in ClinVar:

NM_004006.3(DMD):c.8555dup (p.Arg2853fs)

Gene: DMD (dystrophin; minus strand). Cytogenetic location: Xp21.2.
Variant type: Duplication.
Coding change: c.8555dup on transcript NM_004006.3 (MANE Select); coding-DNA position 8555, one base duplicated (A; older notation c.8555dupA).
Protein change: p.Arg2853fs; shifts the reading frame from arginine 2853.
Molecular consequence: frameshift variant.
Genome position (GRCh38, 1-based): chrX:31,479,096, T duplicated on the plus strand (A on the coding strand, the reverse complement: DMD is on the minus strand); the first of 2 consecutive T bases (chrX:31,479,096-31,479,097); duplicating either gives the same sequence. VCF-style (leftmost placement, unchanged base first): chrX-31479095-C-CT. GRCh37 (hg19) VCF-style: chrX-31497212-C-CT.
Other names: NM_004022.3:c.1175dup; c.8531dup, p.Arg2845fs (NM_000109.4); c.8543dup, p.Arg2849fs (NM_004009.3); c.8186dup, p.Arg2730fs (NM_004010.3); c.4532dup, p.Arg1512fs (NM_004011.4); c.4523dup, p.Arg1509fs (NM_004012.4); c.1175dup, p.Arg393fs (NM_004013.3, NM_004020.4, NM_004021.3 and 2 more transcripts); c.368dup, p.Arg124fs (NM_004014.3); short protein forms R124fs, R1509fs, R1512fs, R2730fs, R2845fs, R2849fs, R2853fs, R393fs.
Identifiers: ClinVar variation 2500930 (VCV002500930.1), dbSNP rs2525328671, ClinGen allele CA2579986340.
Genomic context (GRCh38, chrX:31,479,095, plus strand): 5'-AAATATTCGTACAGTCTCAAGAGTACTCATGATTACAGGTTCTTTAGTTTTCAATTCCCT[C>CT]TTGAAGGCCTGTGAAATGAGATGAAAAGAAGTGCTTATTTGGCTTGTGGCATTCTTCTCA-3'

ClinVar aggregate classification (germline): Likely pathogenic (1 of 4 stars; one submission).

Conditions:
Duchenne and Becker muscular dystrophy. Also called: Duchenne / Becker Muscular Dystrophy. Identifiers: Orphanet 262, MedGen C3542021. Disease mechanism: loss of function.

Submission:

Broad Center for Mendelian Genomics, Broad Institute of MIT and Harvard
Classification: Likely pathogenic for Duchenne and Becker muscular dystrophy. Last evaluated: 2023-05-02. Review status: criteria provided, single submitter. Criteria: ACMG Guidelines, 2015. Collection method: curation. Allele origin: germline. Inheritance: X-linked inheritance.
Comment: The heterozygous p.Arg2853GlufsTer6 variant in DMD was identified by our study in three family members with muscular dystrophy (PMID: 32528171). The p.Arg2853GlufsTer6 variant in DMD has not been previously reported in individuals with DMD-associated muscular dystrophy. This variant was absent from large population studies. This variant is predicted to cause a frameshift, which alters the protein‚Äôs amino acid sequence beginning at position 2853 and leads to a premature termination codon 6 amino acids downstream. This alteration is then predicted to lead to a truncated or absent protein. Loss of function of the DMD gene is an established disease mechanism in X-linked DMD-associated muscular dystrophy. In summary, although additional studies are required to fully establish its clinical significance, this variant is likely pathogenic for X-linked DMD-associated muscular dystrophy. ACMG/AMP Criteria applied: PVS1, PM2_Supporting (Richards 2015).